The following is an entry in ClinVar:

NM_014861.4(ATP2C2):c.2637C>T (p.Val879=)

Genes: ATP2C2 (ATPase secretory pathway Ca2+ transporting 2; plus strand), ATP2C2-AS1 (ATP2C2 antisense RNA 1; minus strand), LOC126862427 (CDK7 strongly-dependent group 2 enhancer GRCh37_chr16:84494562-84495761; plus strand). Cytogenetic location: 16q24.1.
Variant type: single nucleotide variant.
Coding change: c.2637C>T on transcript NM_014861.4 (MANE Select); coding-DNA position 2637, C replaced by T.
Protein change: p.Val879=; no amino-acid change (valine 879 retained).
Molecular consequence: synonymous variant. On other transcripts: non-coding transcript variant (1).
Genome position (GRCh38, 1-based): chr16:84,462,044, C>T. VCF-style: chr16-84462044-C-T. GRCh37 (hg19) VCF-style: chr16-84495650-C-T.
Other names: c.2724C>T, p.Val908= (NM_001286527.3); c.2184C>T, p.Val728= (NM_001291454.2); c.2637C>T (NM_014861.2).
Identifiers: ClinVar variation 2646924 (VCV002646924.25), dbSNP rs376362270, ClinGen allele CA8208596.

ClinVar aggregate classification (germline): Likely benign. Review status: criteria provided, multiple submitters, no conflicts (2 of 4 stars). 2 submissions from 2 submitters: Likely benign (2). Last evaluated 2024-04-15.

Allele frequency attached by ClinVar (database versions not stated): gnomAD 0.00016; TOPMed 0.00017; ESP Exome Variant Server 0.00024.
gnomAD v4.1: 409 of 1,613,998 alleles (0.025%); highest among the groups gnomAD compares: Non-Finnish European, 0.033%; no homozygotes.

Submissions (2):

Ambry Genetics
Classification: Likely benign. Last evaluated: 2024-04-15. Review status: criteria provided, single submitter. Criteria: Ambry Variant Classification Scheme 2023. Collection method: clinical testing. Allele origin: germline.

CeGaT Center for Human Genetics Tuebingen
Classification: Likely benign. Last evaluated: 2023-09-01. Review status: criteria provided, single submitter. Criteria: CeGaT Center For Human Genetics Tuebingen Variant Classification Criteria Version 2. Collection method: clinical testing. Allele origin: germline. Affected: yes. Observed: 2 variant alleles.
Comment: ATP2C2: BP4, BP7